The following is an entry in ClinVar:

NM_152424.4(AMER1):c.370C>T (p.Pro124Ser)

Gene: AMER1 (APC membrane recruitment protein 1; minus strand). Cytogenetic location: Xq11.2.
Variant type: single nucleotide variant.
Coding change: c.370C>T on transcript NM_152424.4 (MANE Select); coding-DNA position 370, C replaced by T.
Protein change: p.Pro124Ser; replaces proline 124 with serine.
Molecular consequence: missense variant.
Genome position (GRCh38, 1-based): chrX:64,192,917, G>A on the plus strand (C>T on the coding strand, the complement: AMER1 is on the minus strand). VCF-style: chrX-64192917-G-A. GRCh37 (hg19) VCF-style: chrX-63412797-G-A.
Other names: short protein forms P124S.
Identifiers: ClinVar variation 2822239 (VCV002822239.3), dbSNP rs1602068444, ClinGen allele CA413311454.

ClinVar aggregate classification (germline): Uncertain significance (1 of 4 stars; one submission).

Allele frequency attached by ClinVar (database versions not stated): gnomAD 0.00001.
gnomAD v4.1: 1 of 1,210,158 alleles (0.000083%); highest among the groups gnomAD compares: Middle Eastern, 0.023%; no homozygotes.

Submission:

Labcorp Genetics (formerly Invitae), Labcorp
Classification: Uncertain significance. Last evaluated: 2024-02-10. Review status: criteria provided, single submitter. Criteria: Invitae Variant Classification Sherloc (09022015). Collection method: clinical testing. Allele origin: germline.
Comment: This sequence change replaces proline, which is neutral and non-polar, with serine, which is neutral and polar, at codon 124 of the AMER1 protein (p.Pro124Ser). This variant is not present in population databases (gnomAD no frequency). This variant has not been reported in the literature in individuals affected with AMER1-related conditions. Algorithms developed to predict the effect of missense changes on protein structure and function output the following: SIFT: "Not Available"; PolyPhen-2: "Benign"; Align-GVGD: "Not Available". The serine amino acid residue is found in multiple mammalian species, which suggests that this missense change does not adversely affect protein function. In summary, the available evidence is currently insufficient to determine the role of this variant in disease. Therefore, it has been classified as a Variant of Uncertain Significance.